The following continues an entry in ClinVar:

NM_000350.3(ABCA4):c.4793C>A (p.Ala1598Asp)

ClinVar aggregate classification (germline): Pathogenic/Likely pathogenic. Pathogenic (7); Likely pathogenic (6).

Submissions 14 to 21 of 21:

PreventionGenetics, part of Exact Sciences
Classification: Pathogenic for ABCA4-related condition. Last evaluated: 2024-09-25. Review status: no assertion criteria provided. Collection method: clinical testing. Allele origin: germline. Not counted in ClinVar's aggregate classification.
Comment: The ABCA4 c.4793C>A variant is predicted to result in the amino acid substitution p.Ala1598Asp. This variant was reported, in the homozygous state or in the heterozygous state along with a second probable causative variant, in individuals with autosomal recessive retinal disorders (see, for example, Maugeri et al. 2000. PubMed ID: 10958761; Cideciyan et al. 2008. PubMed ID: 19074458; Burke et al. 2010. PubMed ID: 20696155; Abu-Safieh et al. 2012. PubMed ID: 23105016; Table S1, Stone et al. 2017. PubMed ID: 28559085; Table S1, Fujinami et al. 2018. PubMed ID: 29925512). This variant is reported in 0.0087% of alleles in individuals of Latino descent in gnomAD. This variant is interpreted as pathogenic.

Sharon lab, Hadassah-Hebrew University Medical Center
Classification: Pathogenic for Stargardt disease. Last evaluated: 2019-06-23. Review status: no assertion criteria provided. Collection method: research. Allele origin: inherited. Affected: yes. Not counted in ClinVar's aggregate classification.

Faculty of Health Sciences, Beirut Arab University
Classification: Pathogenic for Autosomal recessive Retinitis Pigmentosa. Last evaluated: 2012-10-26. Review status: no assertion criteria provided. Collection method: literature only. Allele origin: germline. Affected: yes. Observed: 2 variant alleles. Not counted in ClinVar's aggregate classification.

Clinical Genetics DNA and cytogenetics Diagnostics Lab, Erasmus MC, Erasmus Medical Center
Classification: Likely pathogenic. Review status: no assertion criteria provided. Collection method: clinical testing. Allele origin: germline. Affected: yes. Study: VKGL Data-share Consensus. Not counted in ClinVar's aggregate classification.

Joint Genome Diagnostic Labs from Nijmegen and Maastricht, Radboudumc and MUMC+
Classification: Likely pathogenic. Review status: no assertion criteria provided. Collection method: clinical testing. Allele origin: germline. Affected: yes. Study: VKGL Data-share Consensus. Not counted in ClinVar's aggregate classification.

NEI Ophthalmic Genomics Laboratory, National Institutes of Health
No classification provided. Review status: no classification provided. Collection method: not provided. Allele origin: not provided. Not counted in ClinVar's aggregate classification.

Ophthalmo-Genetics Lab, Instituto de Oftalmologia Conde de Valenciana
Classification: Pathogenic for Severe early-childhood-onset retinal dystrophy. Review status: no assertion criteria provided. Collection method: research. Allele origin: germline. Inheritance: Autosomal recessive inheritance. Affected: yes. Not counted in ClinVar's aggregate classification.

Retina International
No classification provided. Review status: no classification provided. Collection method: not provided. Allele origin: not provided. Not counted in ClinVar's aggregate classification.

Literature cited by the submitters: PubMed 10958761 (cited by 3 submitters); PubMed 19074458 (cited by Labcorp Genetics (formerly Invitae), Labcorp and Institute of Human Genetics, Univ. Regensburg, Univ. Regensburg); PubMed 23105016 (cited by 3 submitters); PubMed 28559085 (cited by Labcorp Genetics (formerly Invitae), Labcorp and Institute of Human Genetics, Univ. Regensburg, Univ. Regensburg); PubMed 26161775 (cited by Labcorp Genetics (formerly Invitae), Labcorp and 3billion); PubMed 32783370 (cited by Women's Health and Genetics/Laboratory Corporation of America, LabCorp and Institute of Human Genetics, Univ. Regensburg, Univ. Regensburg); PubMed 19265867 (cited by Women's Health and Genetics/Laboratory Corporation of America, LabCorp); PubMed 20696155 (cited by Institute of Human Genetics, Univ. Regensburg, Univ. Regensburg); PubMed 22025579 (cited by Institute of Human Genetics, Univ. Regensburg, Univ. Regensburg); PubMed 25525159 (cited by Institute of Human Genetics, Univ. Regensburg, Univ. Regensburg); PubMed 31589614 (cited by Institute of Human Genetics, Univ. Regensburg, Univ. Regensburg); PubMed 29925512 (cited by Institute of Human Genetics, Univ. Regensburg, Univ. Regensburg); PubMed 32845050 (cited by Institute of Human Genetics, Univ. Regensburg, Univ. Regensburg); PubMed 32619608 (cited by Institute of Human Genetics, Univ. Regensburg, Univ. Regensburg); PubMed 31964843 (cited by Institute of Human Genetics, Univ. Regensburg, Univ. Regensburg); PubMed 31456290 (cited by Institute of Human Genetics, Univ. Regensburg, Univ. Regensburg); PubMed 31816670 (cited by Institute of Human Genetics, Univ. Regensburg, Univ. Regensburg); PubMed 34315337 (cited by Institute of Human Genetics, Univ. Regensburg, Univ. Regensburg); PubMed 34426522 (cited by Institute of Human Genetics, Univ. Regensburg, Univ. Regensburg); PubMed 35119454 (cited by Institute of Human Genetics, Univ. Regensburg, Univ. Regensburg); PubMed 35260635 (cited by Institute of Human Genetics, Univ. Regensburg, Univ. Regensburg); PubMed 36460718 (cited by Institute of Human Genetics, Univ. Regensburg, Univ. Regensburg); PubMed 23143460 (cited by Ophthalmo-Genetics Lab, Instituto de Oftalmologia Conde de Valenciana).